The following is an entry in ClinVar:

NM_014319.5(LEMD3):c.1231C>T (p.Pro411Ser)

Gene: LEMD3 (LEM domain containing 3; plus strand). Cytogenetic location: 12q14.3.
Variant type: single nucleotide variant.
Coding change: c.1231C>T on transcript NM_014319.5 (MANE Select); coding-DNA position 1231, C replaced by T.
Protein change: p.Pro411Ser; replaces proline 411 with serine.
Molecular consequence: missense variant.
Genome position (GRCh38, 1-based): chr12:65,170,827, C>T. VCF-style: chr12-65170827-C-T. GRCh37 (hg19) VCF-style: chr12-65564607-C-T.
Other names: c.1231C>T (NM_014319.4); c.1231C>T, p.Pro411Ser (NM_001167614.2); short protein forms P411S.
Identifiers: ClinVar variation 1373628 (VCV001373628.10), dbSNP rs766191006, ClinGen allele CA6670872.

ClinVar aggregate classification (germline): Uncertain significance. Review status: criteria provided, multiple submitters, no conflicts (2 of 4 stars). 2 submissions from 2 submitters: Uncertain significance (2). Last evaluated 2026-03-11.

Conditions:
Inborn genetic diseases. Identifiers: MedGen C0950123, MeSH D030342.

Allele frequency attached by ClinVar (database versions not stated): gnomAD exomes below 0.00001; ExAC 0.00001; gnomAD 0.00005; TOPMed 0.00009.
gnomAD v4.1: 16 of 1,614,126 alleles (0.00099%); highest among the groups gnomAD compares: Admixed American, 0.013%; no homozygotes.

Submissions (2):

Ambry Genetics
Classification: Uncertain significance for Inborn genetic diseases. Last evaluated: 2026-03-11. Review status: criteria provided, single submitter. Criteria: Ambry Variant Classification Scheme 2023. Collection method: clinical testing. Allele origin: germline.

Labcorp Genetics (formerly Invitae), Labcorp
Classification: Uncertain significance. Last evaluated: 2025-12-03. Review status: criteria provided, single submitter. Criteria: Invitae Variant Classification Sherloc (09022015). Collection method: clinical testing. Allele origin: germline.
Comment: This sequence change replaces proline, which is neutral and non-polar, with serine, which is neutral and polar, at codon 411 of the LEMD3 protein (p.Pro411Ser). This variant is present in population databases (rs766191006, gnomAD 0.006%). This variant has not been reported in the literature in individuals affected with LEMD3-related conditions. ClinVar contains an entry for this variant (Variation ID: 1373628). Invitae Evidence Modeling of protein sequence and biophysical properties (such as structural, functional, and spatial information, amino acid conservation, physicochemical variation, residue mobility, and thermodynamic stability) indicates that this missense variant is not expected to disrupt LEMD3 protein function with a negative predictive value of 80%. In summary, the available evidence is currently insufficient to determine the role of this variant in disease. Therefore, it has been classified as a Variant of Uncertain Significance.